The following is an entry in ClinVar:

ClinVar aggregate classification (germline): Pathogenic (1 of 4 stars; one submission).

Submission:

Labcorp Genetics (formerly Invitae), Labcorp
Classification: Pathogenic. Last evaluated: 2025-09-13. Review status: criteria provided, single submitter. Criteria: Invitae Variant Classification Sherloc (09022015). Collection method: clinical testing. Allele origin: germline.
Comment: This sequence change replaces glycine, which is neutral and non-polar, with valine, which is neutral and non-polar, at codon 333 of the COL2A1 protein (p.Gly333Val). This variant is not present in population databases (gnomAD no frequency). This missense change has been observed in individuals with clinical features of COL2A1-related conditions (PMID: 34529350; internal data). Invitae Evidence Modeling of protein sequence and biophysical properties (such as structural, functional, and spatial information, amino acid conservation, physicochemical variation, residue mobility, and thermodynamic stability) indicates that this missense variant is expected to disrupt COL2A1 protein function with a positive predictive value of 95%. This variant disrupts the triple helix domain of COL2A1. Glycine residues within the Gly-Xaa-Yaa repeats of the triple helix domain are required for the structure and stability of fibrillar collagens (PMID: 7695699, 8218237, 19344236). In COL2A1, variants affecting these glycine residues are significantly enriched in individuals with disease (PMID: 9016532, 17078022) compared to the general population (ExAC). For these reasons, this variant has been classified as Pathogenic.

Literature cited by the submitters: PubMed 34529350; PubMed 7695699; PubMed 8218237; PubMed 19344236; PubMed 9016532; PubMed 17078022.

NM_001844.5(COL2A1):c.998G>T (p.Gly333Val)

Gene: COL2A1 (collagen type II alpha 1 chain; minus strand). Cytogenetic location: 12q13.11.
Variant type: single nucleotide variant.
Coding change: c.998G>T on transcript NM_001844.5 (MANE Select); coding-DNA position 998, G replaced by T.
Protein change: p.Gly333Val; replaces glycine 333 with valine.
Molecular consequence: missense variant.
Genome position (GRCh38, 1-based): chr12:47,992,903, C>A on the plus strand (G>T on the coding strand, the complement: COL2A1 is on the minus strand). VCF-style: chr12-47992903-C-A. GRCh37 (hg19) VCF-style: chr12-48386686-C-A.
Other names: c.791G>T, p.Gly264Val (NM_033150.3); short protein forms G264V, G333V.
Identifiers: ClinVar variation 4747074 (VCV004747074.1).